The following is an entry in ClinVar:

NM_001127644.2(GABRA1):c.1070T>C (p.Val357Ala)

Gene: GABRA1 (gamma-aminobutyric acid type A receptor subunit alpha1; plus strand). Cytogenetic location: 5q34.
Variant type: single nucleotide variant.
Coding change: c.1070T>C on transcript NM_001127644.2 (MANE Select); coding-DNA position 1070, T replaced by C.
Protein change: p.Val357Ala; replaces valine 357 with alanine.
Molecular consequence: missense variant.
Genome position (GRCh38, 1-based): chr5:161,897,121, T>C. VCF-style: chr5-161897121-T-C. GRCh37 (hg19) VCF-style: chr5-161324127-T-C.
Other names: c.1070T>C, p.Val357Ala (NM_000806.5, NM_001127643.2, NM_001127645.2 and 1 more transcripts); short protein forms V357A.
Identifiers: ClinVar variation 659833 (VCV000659833.8), dbSNP rs749707253, ClinGen allele CA362180574.

ClinVar aggregate classification (germline): Uncertain significance (1 of 4 stars; one submission).

Conditions:
Idiopathic generalized epilepsy. Also called: Generalised epilepsy; EIG. Identifiers: MedGen C0270850, MONDO:0005579, OMIM 600669.
Epilepsy, childhood absence 4 (ECA4). Also called: EPILEPSY, CHILDHOOD ABSENCE, SUSCEPTIBILITY TO, 4. Identifiers: Orphanet 307, MedGen C1970160.
Epilepsy, idiopathic generalized, susceptibility to, 13. Also called: EPILEPSY, JUVENILE MYOCLONIC, SUSCEPTIBILITY TO, 5. Identifiers: Orphanet 307, Orphanet 64280, MedGen C4013473, MONDO:0012627, OMIM 611136.

Allele frequency attached by ClinVar (database versions not stated): TOPMed 0.00004; gnomAD 0.00007.
gnomAD v4.1: 11 of 1,613,856 alleles (0.00068%); highest among the groups gnomAD compares: Admixed American, 0.018%; no homozygotes.

Submission:

Labcorp Genetics (formerly Invitae), Labcorp
Classification: Uncertain significance for Epilepsy, childhood absence 4; Epilepsy, idiopathic generalized, susceptibility to, 13; Idiopathic generalized epilepsy. Last evaluated: 2022-12-02. Review status: criteria provided, single submitter. Criteria: Invitae Variant Classification Sherloc (09022015). Collection method: clinical testing. Allele origin: germline.
Comment: Advanced modeling of protein sequence and biophysical properties (such as structural, functional, and spatial information, amino acid conservation, physicochemical variation, residue mobility, and thermodynamic stability) performed at Invitae indicates that this missense variant is not expected to disrupt GABRA1 protein function. In summary, the available evidence is currently insufficient to determine the role of this variant in disease. Therefore, it has been classified as a Variant of Uncertain Significance. ClinVar contains an entry for this variant (Variation ID: 659833). This variant has not been reported in the literature in individuals affected with GABRA1-related conditions. This variant is present in population databases (no rsID available, gnomAD 0.003%). This sequence change replaces valine, which is neutral and non-polar, with alanine, which is neutral and non-polar, at codon 357 of the GABRA1 protein (p.Val357Ala).